The following is an entry in ClinVar:

NM_021738.3(SVIL):c.3472A>T (p.Ser1158Cys)

Gene: SVIL (supervillin; minus strand). Cytogenetic location: 10p11.23.
Variant type: single nucleotide variant.
Coding change: c.3472A>T on transcript NM_021738.3 (MANE Select); coding-DNA position 3472, A replaced by T.
Protein change: p.Ser1158Cys; replaces serine 1158 with cysteine.
Molecular consequence: missense variant.
Genome position (GRCh38, 1-based): chr10:29,512,779, T>A on the plus strand (A>T on the coding strand, the complement: SVIL is on the minus strand). VCF-style: chr10-29512779-T-A. GRCh37 (hg19) VCF-style: chr10-29801708-T-A.
Other names: c.2542A>T, p.Ser848Cys (NM_001323599.2); c.2290A>T, p.Ser764Cys (NM_001323600.1); c.2194A>T, p.Ser732Cys (NM_003174.3); short protein forms S1158C, S732C, S764C, S848C.
Identifiers: ClinVar variation 3351607 (VCV003351607.1).

ClinVar aggregate classification (germline): Uncertain significance (0 of 4 stars; one submission).

Conditions:
SVIL-related disorder. Also called: SVIL-related condition.

Submission:

PreventionGenetics, part of Exact Sciences
Classification: Uncertain significance for SVIL-related condition. Last evaluated: 2024-08-02. Review status: no assertion criteria provided. Collection method: clinical testing. Allele origin: germline.
Comment: The SVIL c.3472A>T variant is predicted to result in the amino acid substitution p.Ser1158Cys. To our knowledge, this variant has not been reported in the literature. This variant is reported in 0.068% of alleles in individuals of Ashkenazi Jewish descent in gnomAD. At this time, the clinical significance of this variant is uncertain due to the absence of conclusive functional and genetic evidence.